The following is an entry in ClinVar:

NM_015650.4(TRAF3IP1):c.113TCA[1] (p.Ile39del)

Gene: TRAF3IP1 (TRAF3 interacting protein 1; plus strand). Cytogenetic location: 2q37.3.
Variant type: Microsatellite.
Coding change: c.113TCA[1] on transcript NM_015650.4 (MANE Select); one copy of the 3-base unit TCA starting at c.113; the reference has two copies in a row; one copy, 3 bases deleted.
Protein change: p.Ile39del; deletes isoleucine 39.
Molecular consequence: inframe deletion.
Genome position (GRCh38, 1-based): chr2:238,320,778-238,320,780, TCA deleted; deleting any 3 consecutive bases within chr2:238,320,773-238,320,780 gives the same sequence; the position shown is the placement nearest the transcript's 3' end. VCF-style (leftmost placement, unchanged base first): chr2-238320772-ACAT-A. GRCh37 (hg19) VCF-style: chr2-239229413-ACAT-A.
Other names: c.113TCA[1], p.Ile39del (NM_001139490.1); short protein forms I39del.
Identifiers: ClinVar variation 1016246 (VCV001016246.8), dbSNP rs1697488276, ClinGen allele CA1338070381.

ClinVar aggregate classification (germline): Uncertain significance (1 of 4 stars; one submission).

Submission:

Labcorp Genetics (formerly Invitae), Labcorp
Classification: Uncertain significance. Last evaluated: 2022-07-19. Review status: criteria provided, single submitter. Criteria: Invitae Variant Classification Sherloc (09022015). Collection method: clinical testing. Allele origin: germline.
Comment: This variant, c.116_118del, results in the deletion of 1 amino acid(s) of the TRAF3IP1 protein (p.Ile39del), but otherwise preserves the integrity of the reading frame. In summary, the available evidence is currently insufficient to determine the role of this variant in disease. Therefore, it has been classified as a Variant of Uncertain Significance. Experimental studies and prediction algorithms are not available or were not evaluated, and the functional significance of this variant is currently unknown. This variant has not been reported in the literature in individuals affected with TRAF3IP1-related conditions. This variant is not present in population databases (gnomAD no frequency).